The following is an entry in ClinVar:

ClinVar aggregate classification (germline): Likely benign. Review status: criteria provided, single submitter (1 of 4 stars). 2 submissions from 2 submitters: Likely benign (1). 1 of the submissions does not count toward it. Last evaluated 2026-01-17.

Conditions:
Brachyolmia-amelogenesis imperfecta syndrome. Also called: PLATYSPONDYLY WITH AMELOGENESIS IMPERFECTA; Tooth agenesis, selective, 6; Dental anomalies and short stature. Identifiers: Orphanet 2899, MedGen C1832594, MONDO:0011018, OMIM 601216. Disease mechanism: loss of function.
LTBP3-related disorder. Also called: LTBP3-related condition.

Allele frequency attached by ClinVar (database versions not stated): ExAC 0.00003; gnomAD exomes 0.00003; gnomAD 0.00024; TOPMed 0.00031.
gnomAD v4.1: 80 of 1,612,442 alleles (0.005%); highest among the groups gnomAD compares: African/African-American, 0.1%; no homozygotes.

Submissions (2):

Labcorp Genetics (formerly Invitae), Labcorp
Classification: Likely benign for Brachyolmia-amelogenesis imperfecta syndrome. Last evaluated: 2026-01-17. Review status: criteria provided, single submitter. Criteria: Invitae Variant Classification Sherloc (09022015). Collection method: clinical testing. Allele origin: germline.

PreventionGenetics, part of Exact Sciences
Classification: Likely benign for LTBP3-related condition. Last evaluated: 2024-09-07. Review status: no assertion criteria provided. Collection method: clinical testing. Allele origin: germline. Not counted in ClinVar's aggregate classification.
Comment: This variant is classified as likely benign based on ACMG/AMP sequence variant interpretation guidelines (Richards et al. 2015 PMID: 25741868, with internal and published modifications).

NM_001130144.3(LTBP3):c.2894-7C>T

Gene: LTBP3 (latent transforming growth factor beta binding protein 3; minus strand). Cytogenetic location: 11q13.1.
Variant type: single nucleotide variant.
Coding change: c.2894-7C>T on transcript NM_001130144.3 (MANE Select); 7 bases into the intron before coding-DNA position 2894, C replaced by T.
Molecular consequence: intron variant.
Genome position (GRCh38, 1-based): chr11:65,540,961, G>A on the plus strand (C>T on the coding strand, the complement: LTBP3 is on the minus strand). VCF-style: chr11-65540961-G-A. GRCh37 (hg19) VCF-style: chr11-65308432-G-A.
Other names: c.2543-7C>T (NM_001164266.1); c.2894-7C>T (NM_021070.4, NM_001130144.2).
Identifiers: ClinVar variation 2418820 (VCV002418820.8), dbSNP rs765154548, ClinGen allele CA6100442.